The following is an entry in ClinVar:

NM_002691.4(POLD1):c.2954-1G>A

Gene: POLD1 (DNA polymerase delta 1, catalytic subunit; plus strand). Cytogenetic location: 19q13.33.
Variant type: single nucleotide variant.
Coding change: c.2954-1G>A on transcript NM_002691.4 (MANE Select); the canonical splice acceptor site of the intron before coding-DNA position 2954, G replaced by A.
Molecular consequence: splice acceptor variant.
Genome position (GRCh38, 1-based): chr19:50,416,609, G>A. VCF-style: chr19-50416609-G-A. GRCh37 (hg19) VCF-style: chr19-50919866-G-A.
Other names: c.2954-1G>A (NM_001256849.1); c.3032-1G>A (NM_001308632.1).
Identifiers: ClinVar variation 646772 (VCV000646772.16), dbSNP rs1601247230, ClinGen allele CA406986758.

ClinVar aggregate classification (germline): Uncertain significance. Review status: criteria provided, multiple submitters, no conflicts (2 of 4 stars). 2 submissions from 2 submitters: Uncertain significance (2). Last evaluated 2025-10-01.

Conditions:
Hereditary cancer-predisposing syndrome. Also called: Hereditary neoplastic syndrome; Tumor predisposition; Hereditary Cancer Syndrome; Neoplastic Syndromes, Hereditary. Identifiers: Orphanet 140162, MedGen C0027672, MeSH D009386, MONDO:0015356.
POLD1-related polyposis and colorectal cancer syndrome (CRCS10). Also called: Colorectal cancer, susceptibility to, 10; Colorectal cancer 10; COLORECTAL CANCER, SUSCEPTIBILITY TO, ON CHROMOSOME 19q. Identifiers: Orphanet 220460, MedGen C2675481, MONDO:0012953, OMIM 612591.

Allele frequency attached by ClinVar (database versions not stated): gnomAD exomes below 0.00001.
gnomAD v4.1: 2 of 1,558,018 alleles (0.00013%); highest among the groups gnomAD compares: Non-Finnish European, 0.00017%; no homozygotes.

Submissions (2):

Ambry Genetics
Classification: Uncertain significance for Hereditary cancer-predisposing syndrome. Last evaluated: 2025-10-01. Review status: criteria provided, single submitter. Criteria: Ambry Variant Classification Scheme 2023. Collection method: clinical testing. Allele origin: germline.
Comment: The c.2954-1G>A intronic variant results from a G to A substitution one nucleotide upstream from coding exon 23 of the POLD1 gene. This nucleotide position is highly conserved in available vertebrate species. In silico splice site analysis predicts that this alteration will weaken the native splice acceptor site and will result in the creation or strengthening of a novel splice acceptor site. Alterations that disrupt the canonical splice site are expected to cause aberrant splicing, resulting in an abnormal protein or a transcript that is subject to nonsense-mediated mRNA decay. However, loss of function of POLD1 has not been established as a mechanism of disease. Based on the available evidence, the clinical significance of this alteration remains unclear.

Labcorp Genetics (formerly Invitae), Labcorp
Classification: Uncertain significance for POLD1-related polyposis and colorectal cancer syndrome. Last evaluated: 2019-02-10. Review status: criteria provided, single submitter. Criteria: Invitae Variant Classification Sherloc (09022015). Collection method: clinical testing. Allele origin: germline.
Comment: Missense variants that disrupt the 3'-5' exonuclease (proof-reading) activity of the POLD1 protein, while not abolishing its polymerase enzyme activity, are associated with an increased risk for colonic adenomatous polyps and colon cancer (PMID: 23263490, 23447401). Loss-of-function variants, which result in an absent or severely disrupted POLD1 protein, are therefore unlikely to be associated with disease. Without further clinical and genetic evidence, however, this variant has been classified as a Variant of Uncertain Significance. Algorithms developed to predict the effect of sequence changes on RNA splicing suggest that this variant may disrupt the consensus splice site, but this prediction has not been confirmed by published transcriptional studies. This variant has not been reported in the literature in individuals with POLD1-related disease. The frequency data for this variant in the population databases is considered unreliable, as metrics indicate insufficient coverage at this position in the ExAC database. This sequence change affects an acceptor splice site in intron 23 of the POLD1 gene. It is expected to disrupt RNA splicing and likely results in an absent or disrupted protein product.

Literature cited by the submitters: PubMed 23263490 (cited by Labcorp Genetics (formerly Invitae), Labcorp); PubMed 23447401 (cited by Labcorp Genetics (formerly Invitae), Labcorp).